The following is an entry in ClinVar:

NM_002474.3(MYH11):c.3839A>C (p.Asp1280Ala)

Gene: MYH11 (myosin heavy chain 11; minus strand). Cytogenetic location: 16p13.11.
Variant type: single nucleotide variant.
Coding change: c.3839A>C on transcript NM_002474.3 (MANE Select); coding-DNA position 3839, A replaced by C.
Protein change: p.Asp1280Ala; replaces aspartic acid 1280 with alanine.
Molecular consequence: missense variant.
Genome position (GRCh38, 1-based): chr16:15,726,867, T>G on the plus strand (A>C on the coding strand, the complement: MYH11 is on the minus strand). VCF-style: chr16-15726867-T-G. GRCh37 (hg19) VCF-style: chr16-15820724-T-G.
Other names: c.3839A>C (NM_002474.2); c.3860A>C, p.Asp1287Ala (NM_001040113.2, NM_001040114.2); c.3839A>C, p.Asp1280Ala (NM_022844.3); short protein forms D1280A, D1287A.
Identifiers: ClinVar variation 2773822 (VCV002773822.3), dbSNP rs2040789824, ClinGen allele CA394859963.

ClinVar aggregate classification (germline): Uncertain significance. Review status: criteria provided, multiple submitters, no conflicts (2 of 4 stars). 2 submissions from 2 submitters: Uncertain significance (2). Last evaluated 2025-05-20.

Conditions:
Familial thoracic aortic aneurysm and aortic dissection (TAAD). Also called: Thoracic aortic aneurysms and dissections. Identifiers: Orphanet 91387, MedGen C4707243, MONDO:0019625.

Submissions (2):

Ambry Genetics
Classification: Uncertain significance for Familial thoracic aortic aneurysm and aortic dissection. Last evaluated: 2025-05-20. Review status: criteria provided, single submitter. Criteria: Ambry Variant Classification Scheme 2023. Collection method: clinical testing. Allele origin: germline.

Color Diagnostics, LLC DBA Color Health
Classification: Uncertain significance for Familial thoracic aortic aneurysm and aortic dissection. Last evaluated: 2024-03-06. Review status: criteria provided, single submitter. Criteria: ACMG Guidelines, 2015. Collection method: clinical testing. Allele origin: germline.
Comment: This missense variant replaces aspartic acid with alanine at codon 1287 of the MYH11 protein. Computational prediction suggests that this variant may not impact protein structure and function (internally defined REVEL score threshold <= 0.5, PMID: 27666373). To our knowledge, functional studies have not been reported for this variant. This variant has not been reported in individuals affected with cardiovascular disorders in the literature. This variant has not been identified in the general population by the Genome Aggregation Database (gnomAD). The available evidence is insufficient to determine the role of this variant in disease conclusively. Therefore, this variant is classified as a Variant of Uncertain Significance.